The following is an entry in ClinVar:

ClinVar aggregate classification (germline): Uncertain significance (1 of 4 stars; one submission).

Conditions:
Combined immunodeficiency due to LRBA deficiency. Also called: Common variable immunodeficiency 8, with autoimmunity. Identifiers: Orphanet 445018, MedGen C3553512, MONDO:0013863, OMIM 614700.

Submission:

Labcorp Genetics (formerly Invitae), Labcorp
Classification: Uncertain significance for Combined immunodeficiency due to LRBA deficiency. Last evaluated: 2022-02-25. Review status: criteria provided, single submitter. Criteria: Invitae Variant Classification Sherloc (09022015). Collection method: clinical testing. Allele origin: germline.
Comment: In summary, the available evidence is currently insufficient to determine the role of this variant in disease. Therefore, it has been classified as a Variant of Uncertain Significance. Algorithms developed to predict the effect of missense changes on protein structure and function are either unavailable or do not agree on the potential impact of this missense change (SIFT: "Deleterious"; PolyPhen-2: "Probably Damaging"; Align-GVGD: "Class C0"). This variant has not been reported in the literature in individuals affected with LRBA-related conditions. This variant is not present in population databases (gnomAD no frequency). This sequence change replaces serine, which is neutral and polar, with cysteine, which is neutral and slightly polar, at codon 2725 of the LRBA protein (p.Ser2725Cys).

NM_001364905.1(LRBA):c.8141C>G (p.Ser2714Cys)

Gene: LRBA (LPS responsive beige-like anchor protein; minus strand). Cytogenetic location: 4q31.3.
Variant type: single nucleotide variant.
Coding change: c.8141C>G on transcript NM_001364905.1 (MANE Select); coding-DNA position 8141, C replaced by G.
Protein change: p.Ser2714Cys; replaces serine 2714 with cysteine.
Molecular consequence: missense variant.
Genome position (GRCh38, 1-based): chr4:150,282,625, G>C on the plus strand (C>G on the coding strand, the complement: LRBA is on the minus strand). VCF-style: chr4-150282625-G-C. GRCh37 (hg19) VCF-style: chr4-151203777-G-C.
Other names: c.8138C>G, p.Ser2713Cys (NM_001199282.3); c.8156C>G, p.Ser2719Cys (NM_001367550.1); c.8174C>G, p.Ser2725Cys (NM_006726.5); short protein forms S2725C, S2713C, S2714C, S2719C.
Identifiers: ClinVar variation 2103701 (VCV002103701.4), dbSNP rs2545728651, ClinGen allele CA358440564.